The following is an entry in ClinVar:

NM_000053.4(ATP7B):c.253G>A (p.Gly85Ser)

Gene: ATP7B (ATPase copper transporting beta; minus strand). Cytogenetic location: 13q14.3.
Variant type: single nucleotide variant.
Coding change: c.253G>A on transcript NM_000053.4 (MANE Select); coding-DNA position 253, G replaced by A.
Protein change: p.Gly85Ser; replaces glycine 85 with serine.
Molecular consequence: missense variant.
Genome position (GRCh38, 1-based): chr13:51,974,967, C>T on the plus strand (G>A on the coding strand, the complement: ATP7B is on the minus strand). VCF-style: chr13-51974967-C-T. GRCh37 (hg19) VCF-style: chr13-52549103-C-T.
Other names: c.253G>A, p.Gly85Ser (NM_001005918.3, NM_001243182.2, NM_001330578.2 and 30 more transcripts); c.157G>A, p.Gly53Ser (NM_001406517.1, NM_001406518.1, NM_001406530.1 and 4 more transcripts); short protein forms G53S, G85S.
Identifiers: ClinVar variation 4809071 (VCV004809071.1).

ClinVar aggregate classification (germline): Likely pathogenic (1 of 4 stars; one submission).

Conditions:
Wilson disease (WND). Also called: Wilson's disease. Identifiers: Orphanet 905, MedGen C0019202, MONDO:0010200, OMIM 277900. Disease mechanism: loss of function.

gnomAD v4.1: 1 of 1,614,102 alleles (0.000062%); highest among the groups gnomAD compares: African/African-American, 0.0013%; no homozygotes.

Submission:

Labcorp Genetics (formerly Invitae), Labcorp
Classification: Likely pathogenic for Wilson disease. Last evaluated: 2025-12-08. Review status: criteria provided, single submitter. Criteria: Invitae Variant Classification Sherloc (09022015). Collection method: clinical testing. Allele origin: germline.
Comment: This sequence change replaces glycine, which is neutral and non-polar, with serine, which is neutral and polar, at codon 85 of the ATP7B protein (p.Gly85Ser). This variant is not present in population databases (gnomAD no frequency). This variant has not been reported in the literature in individuals affected with ATP7B-related conditions. Invitae Evidence Modeling of protein sequence and biophysical properties (such as structural, functional, and spatial information, amino acid conservation, physicochemical variation, residue mobility, and thermodynamic stability) indicates that this missense variant is expected to disrupt ATP7B protein function with a positive predictive value of 95%. This variant disrupts the p.Gly85 amino acid residue in ATP7B. Other variant(s) that disrupt this residue have been determined to be pathogenic (PMID: 30702195, 32043565). This suggests that this residue is clinically significant, and that variants that disrupt this residue are likely to be disease-causing. In summary, the currently available evidence indicates that the variant is pathogenic, but additional data are needed to prove that conclusively. Therefore, this variant has been classified as Likely Pathogenic.

Literature cited by the submitters: PubMed 30702195; PubMed 32043565.